The following is an entry in ClinVar:

ClinVar aggregate classification (germline): Uncertain significance. Review status: criteria provided, multiple submitters, no conflicts (2 of 4 stars). 6 submissions from 6 submitters: Uncertain significance (6). Last evaluated 2026-09-23.

Conditions:
Cardiovascular phenotype. Identifiers: MedGen CN230736.

Allele frequency attached by ClinVar (database versions not stated): ExAC 0.00005; gnomAD exomes 0.00009 and 0.00010; gnomAD 0.00011 and 0.00012; 1000 Genomes Project 0.00040; 1000 Genomes Project 30x 0.00031; TOPMed 0.00004.
gnomAD v4.1: 149 of 1,550,508 alleles (0.0096%); highest among the groups gnomAD compares: South Asian, 0.019%; no homozygotes.

Submissions (6):

GeneDx
Classification: Uncertain significance. Last evaluated: 2026-09-23. Review status: criteria provided, single submitter. Criteria: GeneDx Variant Classification Process June 2021. Collection method: clinical testing. Allele origin: germline.
Comment: In silico analysis supports that this missense variant has a deleterious effect on protein structure/function; Has not been previously published as pathogenic or benign to our knowledge

Women's Health and Genetics/Laboratory Corporation of America, LabCorp
Classification: Uncertain significance. Last evaluated: 2025-09-30. Review status: criteria provided, single submitter. Criteria: LabCorp Variant Classification Summary - May 2015. Collection method: clinical testing. Allele origin: germline.
Comment: Variant summary: ZNF469 c.11771C>T (p.Thr3924Met) results in a non-conservative amino acid change in the encoded protein sequence. Algorithms developed to predict the effect of missense changes on protein structure and function are either unavailable or do not agree on the potential impact of this missense change. The variant allele was found at a frequency of 9.8e-05 in 153552 control chromosomes. This frequency is not significantly higher than estimated for disease-causing variants in ZNF469, allowing no conclusion about variant significance. To our knowledge, no occurrence of c.11771C>T in individuals affected with ZNF469-related conditions and no experimental evidence demonstrating its impact on protein function have been reported. ClinVar contains an entry for this variant (Variation ID: 284752). Based on the evidence outlined above, the variant was classified as uncertain significance.

Ambry Genetics
Classification: Uncertain significance for Cardiovascular phenotype. Last evaluated: 2024-12-23. Review status: criteria provided, single submitter. Criteria: Ambry Variant Classification Scheme 2023. Collection method: clinical testing. Allele origin: germline.
Comment: The p.T3896M variant (also known as c.11687C>T), located in coding exon 2 of the ZNF469 gene, results from a C to T substitution at nucleotide position 11687. The threonine at codon 3896 is replaced by methionine, an amino acid with similar properties. This amino acid position is well conserved in available vertebrate species. In addition, this alteration is predicted to be tolerated by in silico analysis. Based on the available evidence, the clinical significance of this variant remains unclear.

Labcorp Genetics (formerly Invitae), Labcorp
Classification: Uncertain significance. Last evaluated: 2023-12-11. Review status: criteria provided, single submitter. Criteria: Invitae Variant Classification Sherloc (09022015). Collection method: clinical testing. Allele origin: germline.
Comment: This sequence change replaces threonine, which is neutral and polar, with methionine, which is neutral and non-polar, at codon 3896 of the ZNF469 protein (p.Thr3896Met). This variant is present in population databases (rs139259830, gnomAD 0.09%). This variant has not been reported in the literature in individuals affected with ZNF469-related conditions. ClinVar contains an entry for this variant (Variation ID: 284752). An algorithm developed to predict the effect of missense changes on protein structure and function (PolyPhen-2) suggests that this variant is likely to be disruptive. In summary, the available evidence is currently insufficient to determine the role of this variant in disease. Therefore, it has been classified as a Variant of Uncertain Significance.

Clinical Genetics Laboratory, Skane University Hospital Lund
Classification: Uncertain significance. Last evaluated: 2022-05-27. Review status: criteria provided, single submitter. Criteria: ACMG Guidelines, 2015. Collection method: clinical testing. Allele origin: germline. Affected: yes.

Eurofins Ntd Llc (ga)
Classification: Uncertain significance. Last evaluated: 2015-11-24. Review status: criteria provided, single submitter. Criteria: EGL Classification Definitions 2015. Collection method: clinical testing. Allele origin: germline. Observed: 1 variant allele, 1 heterozygote.

NM_001367624.2(ZNF469):c.11771C>T (p.Thr3924Met)

Gene: ZNF469 (zinc finger protein 469; plus strand). Cytogenetic location: 16q24.2.
Variant type: single nucleotide variant.
Coding change: c.11771C>T on transcript NM_001367624.2 (MANE Select); coding-DNA position 11771, C replaced by T.
Protein change: p.Thr3924Met; replaces threonine 3924 with methionine.
Molecular consequence: missense variant.
Genome position (GRCh38, 1-based): chr16:88,439,241, C>T. VCF-style: chr16-88439241-C-T. GRCh37 (hg19) VCF-style: chr16-88505649-C-T.
Other names: NM_001127464.1:c.11687C>T; short protein forms T3924M.
Identifiers: ClinVar variation 284752 (VCV000284752.13), dbSNP rs139259830, ClinGen allele CA8225642.
Genomic context (GRCh38, chr16:88,439,241, plus strand): 5'-CCCCCAAGAGGGGCACAGCTGTCCACGGTGCTGAACCTGCCGAGCCACACACCCACCGGA[C>T]GGCCGAGGCCCAGAGTGACCTCCTCAGCCAGCTCTTCGGGCAGAGACTAACTGGCTTCAA-3'
Protein context (NP_001354553.1, residues 3914-3934): AEPAEPHTHR[Thr3924Met]AEAQSDLLSQ